The following is an entry in ClinVar:

NM_031885.5(BBS2):c.313_314insCCC (p.Val105delinsAlaLeu)

Gene: BBS2 (Bardet-Biedl syndrome 2; minus strand). Cytogenetic location: 16q13.
Variant type: Insertion.
Coding change: c.313_314insCCC on transcript NM_031885.5 (MANE Select); coding-DNA positions 313 to 314, CCC inserted.
Protein change: p.Val105delinsAlaLeu.
Molecular consequence: inframe indel. On other transcripts: non-coding transcript variant (5).
Genome position: GRCh38 VCF-style: chr16-56514484-A-AGGG. GRCh37 (hg19) VCF-style: chr16-56548396-A-AGGG.
Other names: c.313_314insCCC, p.Val105delinsAlaLeu (NM_001377456.1).
Identifiers: ClinVar variation 2585264 (VCV002585264.1), dbSNP rs2543741158, ClinGen allele CA2582342521.

ClinVar aggregate classification (germline): Uncertain significance (1 of 4 stars; one submission).

Conditions:
Bardet-Biedl syndrome 2 (BBS2). Identifiers: Orphanet 110, MedGen C2936863, MONDO:0014432, OMIM 615981.

Submission:

Neuberg Centre For Genomic Medicine, NCGM
Classification: Uncertain significance for Bardet-Biedl syndrome 2. Review status: criteria provided, single submitter. Criteria: ACMG Guidelines, 2015. Collection method: clinical testing. Allele origin: germline. Inheritance: Autosomal recessive inheritance. Affected: yes.
Comment: The variant c.313_314insCCC (p.Val105delinsAlaLeu) in BBS2 gene has not been reported previously as a pathogenic variant nor as a benign variant, to our knowledge. The p.Val105delinsAlaLeu variant is novel (not in any individuals) in gnomAD Exomes and 1000 Genomes. The variant is an indel variant. For these reasons, this variant has been classified as Uncertain Significance.